The following is an entry in ClinVar:

ClinVar aggregate classification (germline): Conflicting classifications of pathogenicity. Review status: criteria provided, conflicting classifications (1 of 4 stars). 2 submissions from 2 submitters: Uncertain significance (1); Benign (1). Last evaluated 2023-05-01.

Conditions:
Growth delay due to insulin-like growth factor I resistance. Also called: Insulin-Like Growth Factor I Resistance; Somatomedin end-organ insensitivity to; Somatomedin-c resistance to; IGF-1 resistance; IGF-I RESISTANCE. Identifiers: Orphanet 73273, MedGen C1849157, MONDO:0010038, OMIM 270450.

Allele frequency attached by ClinVar (database versions not stated): 1000 Genomes Project 0.00100; 1000 Genomes Project 30x 0.00156; TOPMed 0.00584; gnomAD exomes 0.00669; gnomAD 0.00932 and 0.00976.
gnomAD v4.1: 1,953 of 233,708 alleles (0.84%); highest among the groups gnomAD compares: Non-Finnish European, 0.98%; 30 homozygotes.

Submissions (2):

CeGaT Center for Human Genetics Tuebingen
Classification: Benign. Last evaluated: 2023-05-01. Review status: criteria provided, single submitter. Criteria: CeGaT Center For Human Genetics Tuebingen Variant Classification Criteria Version 2. Collection method: clinical testing. Allele origin: germline. Affected: yes. Observed: 5 variant alleles.
Comment: IGF1R: BS1, BS2

Illumina Laboratory Services, Illumina
Classification: Uncertain significance for Growth delay due to insulin-like growth factor I resistance. Last evaluated: 2018-01-13. Review status: criteria provided, single submitter. Criteria: ICSL Variant Classification Criteria 13 December 2019. Collection method: clinical testing. Allele origin: germline.

NM_000875.5(IGF1R):c.*1885G>C

Gene: IGF1R (insulin like growth factor 1 receptor; plus strand). Cytogenetic location: 15q26.3.
Variant type: single nucleotide variant.
Coding change: c.*1885G>C on transcript NM_000875.5 (MANE Select); 1885 bases downstream of the stop codon, G replaced by C.
Molecular consequence: 3 prime UTR variant.
Genome position (GRCh38, 1-based): chr15:98,959,327, G>C. VCF-style: chr15-98959327-G-C. GRCh37 (hg19) VCF-style: chr15-99502556-G-C.
Other names: c.*1885G>C (NM_001291858.2).
Identifiers: ClinVar variation 885042 (VCV000885042.28), dbSNP rs34530803, ClinGen allele CA275335494.